The following is an entry in ClinVar:

NM_001972.4(ELANE):c.198G>C (p.Met66Ile)

Gene: ELANE (elastase, neutrophil expressed; plus strand). Cytogenetic location: 19p13.3.
Variant type: single nucleotide variant.
Coding change: c.198G>C on transcript NM_001972.4 (MANE Select); coding-DNA position 198, G replaced by C.
Protein change: p.Met66Ile; replaces methionine 66 with isoleucine.
Molecular consequence: missense variant.
Genome position (GRCh38, 1-based): chr19:853,006, G>C. VCF-style: chr19-853006-G-C. GRCh37 (hg19) VCF-style: chr19-853006-G-C.
Other names: short protein forms M66I.
Identifiers: ClinVar variation 4791401 (VCV004791401.1).

ClinVar aggregate classification (germline): Uncertain significance (1 of 4 stars; one submission).

Conditions:
Neutropenia, severe congenital, 1, autosomal dominant. Identifiers: MedGen C1859966, MONDO:0042490, OMIM 202700.
Cyclical neutropenia. Also called: Cyclic hematopoiesis; Cyclic Neutropenia. Identifiers: Orphanet 2686, MedGen C0221023, MONDO:0008090, OMIM 162800, HP:0040289. Disease mechanism: loss of function.

gnomAD v4.1: 1 of 1,573,434 alleles (0.000064%); highest among the groups gnomAD compares: Non-Finnish European, 0.000086%; no homozygotes.

Submission:

Labcorp Genetics (formerly Invitae), Labcorp
Classification: Uncertain significance for Neutropenia, severe congenital, 1, autosomal dominant; Cyclical neutropenia. Last evaluated: 2025-03-31. Review status: criteria provided, single submitter. Criteria: Invitae Variant Classification Sherloc (09022015). Collection method: clinical testing. Allele origin: germline.
Comment: This sequence change replaces methionine, which is neutral and non-polar, with isoleucine, which is neutral and non-polar, at codon 66 of the ELANE protein (p.Met66Ile). This variant is not present in population databases (gnomAD no frequency). This variant has not been reported in the literature in individuals affected with ELANE-related conditions. Invitae Evidence Modeling of protein sequence and biophysical properties (such as structural, functional, and spatial information, amino acid conservation, physicochemical variation, residue mobility, and thermodynamic stability) has been performed for this missense variant. However, the output from this modeling did not meet the statistical confidence thresholds required to predict the impact of this variant on ELANE protein function. This variant disrupts the p.Met66 amino acid residue in ELANE. Other variant(s) that disrupt this residue have been determined to be pathogenic (PMID: 19775295, 29517659). This suggests that this residue is clinically significant, and that variants that disrupt this residue are likely to be disease-causing. In summary, the available evidence is currently insufficient to determine the role of this variant in disease. Therefore, it has been classified as a Variant of Uncertain Significance.

Literature cited by the submitters: PubMed 19775295; PubMed 29517659.